The following is an entry in ClinVar:

ClinVar aggregate classification (germline): Likely pathogenic (1 of 4 stars; one submission).

Conditions:
Inflammatory skin and bowel disease, neonatal, 1. Identifiers: Orphanet 294023, MedGen C3280501, MONDO:0013693, OMIM 614328.

Submission:

Labcorp Genetics (formerly Invitae), Labcorp
Classification: Likely pathogenic for Inflammatory skin and bowel disease, neonatal, 1. Last evaluated: 2023-08-27. Review status: criteria provided, single submitter. Criteria: Invitae Variant Classification Sherloc (09022015). Collection method: clinical testing. Allele origin: germline.
Comment: This variant has not been reported in the literature in individuals affected with ADAM17-related conditions. In summary, the currently available evidence indicates that the variant is pathogenic, but additional data are needed to prove that conclusively. Therefore, this variant has been classified as Likely Pathogenic. Algorithms developed to predict the effect of sequence changes on RNA splicing suggest that this variant may disrupt the consensus splice site. This variant is not present in population databases (gnomAD no frequency). This sequence change affects a donor splice site in intron 3 of the ADAM17 gene. It is expected to disrupt RNA splicing. Variants that disrupt the donor or acceptor splice site typically lead to a loss of protein function (PMID: 16199547), and loss-of-function variants in ADAM17 are known to be pathogenic (PMID: 22010916, 25804906).

Literature cited by the submitters: PubMed 16199547; PubMed 22010916; PubMed 25804906.

NM_003183.6(ADAM17):c.361+1G>C

Gene: ADAM17 (ADAM metallopeptidase domain 17; minus strand). Cytogenetic location: 2p25.1.
Variant type: single nucleotide variant.
Coding change: c.361+1G>C on transcript NM_003183.6 (MANE Select); the canonical splice donor site of the intron after coding-DNA position 361, G replaced by C.
Molecular consequence: splice donor variant.
Genome position (GRCh38, 1-based): chr2:9,536,697, C>G on the plus strand (G>C on the coding strand, the complement: ADAM17 is on the minus strand). VCF-style: chr2-9536697-C-G. GRCh37 (hg19) VCF-style: chr2-9676826-C-G.
Other names: c.-320+1G>C (NM_001382777.1); c.-562+1G>C (NM_001382778.1).
Identifiers: ClinVar variation 2853995 (VCV002853995.3), dbSNP rs2527387206, ClinGen allele CA345786155.